The following is an entry in ClinVar:

ClinVar aggregate classification (germline): Uncertain significance (1 of 4 stars; one submission).

gnomAD v4.1: 1 of 1,614,178 alleles (0.000062%); highest among the groups gnomAD compares: Non-Finnish European, 0.000085%; no homozygotes.

Submission:

Labcorp Genetics (formerly Invitae), Labcorp
Classification: Uncertain significance. Last evaluated: 2024-08-05. Review status: criteria provided, single submitter. Criteria: Invitae Variant Classification Sherloc (09022015). Collection method: clinical testing. Allele origin: germline.
Comment: This sequence change replaces methionine, which is neutral and non-polar, with isoleucine, which is neutral and non-polar, at codon 954 of the ARID1A protein (p.Met954Ile). This variant is not present in population databases (gnomAD no frequency). This variant has not been reported in the literature in individuals affected with ARID1A-related conditions. Advanced modeling of protein sequence and biophysical properties (such as structural, functional, and spatial information, amino acid conservation, physicochemical variation, residue mobility, and thermodynamic stability) performed at Invitae indicates that this missense variant is not expected to disrupt ARID1A protein function with a negative predictive value of 80%. In summary, the available evidence is currently insufficient to determine the role of this variant in disease. Therefore, it has been classified as a Variant of Uncertain Significance.

NM_006015.6(ARID1A):c.2862G>A (p.Met954Ile)

Gene: ARID1A (AT-rich interaction domain 1A; plus strand). Cytogenetic location: 1p36.11.
Variant type: single nucleotide variant.
Coding change: c.2862G>A on transcript NM_006015.6 (MANE Select); coding-DNA position 2862, G replaced by A.
Protein change: p.Met954Ile; replaces methionine 954 with isoleucine.
Molecular consequence: missense variant.
Genome position (GRCh38, 1-based): chr1:26,766,350, G>A. VCF-style: chr1-26766350-G-A. GRCh37 (hg19) VCF-style: chr1-27092841-G-A.
Other names: c.2862G>A, p.Met954Ile (NM_139135.4); short protein forms M954I.
Identifiers: ClinVar variation 3680219 (VCV003680219.2).